The following is an entry in ClinVar:

NC_000011.9:g.(?_108206566)_(108206694_?)del

Gene: ATM (ATM serine/threonine kinase; plus strand). Cytogenetic location: 11q22.3.
Variant type: Deletion.
Identifiers: ClinVar variation 453344 (VCV000453344.1).

ClinVar aggregate classification (germline): Likely pathogenic (1 of 4 stars; one submission).

Conditions:
Ataxia-telangiectasia syndrome (AT). Also called: Cerebello-oculocutaneous telangiectasia; Immunodeficiency with ataxia telangiectasia; Ataxia-telangiectasia, complementation group D; AT, COMPLEMENTATION GROUP C; Ataxia-telangiectasia, complementation group E; LOUIS-BAR SYNDROME. Identifiers: Orphanet 100, MedGen C0004135, MONDO:0008840, OMIM 208900.

Submission:

Labcorp Genetics (formerly Invitae), Labcorp
Classification: Likely pathogenic for Ataxia-telangiectasia syndrome. Last evaluated: 2017-01-25. Review status: criteria provided, single submitter. Criteria: Invitae Variant Classification Sherloc (09022015). Collection method: clinical testing. Allele origin: germline.
Comment: This variant is a gross deletion of the genomic region encompassing part of exon 56 of the ATM gene. The 5' end of this event is located at c.8218 (chr11: 108206638) in exon 56 and the 3' boundary is located at position c.8269-2882 (chr11:108211067) in intron 56 of the ATM gene. This deletion affects a donor splice site and is therefore expected to disrupt RNA splicing, likely resulting in an absent or disrupted protein product. This particular deletion has not been reported in the literature in individuals with an ATM-related disease. In summary, variants affecting donor and acceptor splice sites are typically loss-of-function (PMID: 16199547), and loss-of-function variants in ATM are known to be pathogenic (PMID: 10817650, 19781682). However, without additional functional and/or genetic data, this variant has been classified as Likely Pathogenic.